The following is an entry in ClinVar:

ClinVar aggregate classification (germline): Likely pathogenic. Review status: criteria provided, multiple submitters, no conflicts (2 of 4 stars). 3 submissions from 3 submitters: Likely pathogenic (3). Last evaluated 2026-09-19.

Conditions:
Hereditary cancer-predisposing syndrome. Also called: Hereditary Cancer Syndrome; Hereditary neoplastic syndrome; Neoplastic Syndromes, Hereditary; Tumor predisposition. Identifiers: Orphanet 140162, MedGen C0027672, MeSH D009386, MONDO:0015356.
Cardiovascular phenotype. Identifiers: MedGen CN230736.
NF1-related disorder. Also called: NF1-related condition. Identifiers: MedGen CN379171.

Submissions (3):

GeneDx
Classification: Likely pathogenic. Last evaluated: 2026-09-19. Review status: criteria provided, single submitter. Criteria: GeneDx Variant Classification Process June 2021. Collection method: clinical testing. Allele origin: germline.
Comment: Not observed at significant frequency in large population cohorts (gnomAD); In silico analysis supports that this missense variant has a deleterious effect on protein structure/function; This variant is associated with the following publications: (PMID: 31573083)

Blueprint Genetics
Classification: Likely pathogenic for NF1-related disorders. Last evaluated: 2024-05-15. Review status: criteria provided, single submitter. Criteria: ACMG Guidelines, 2015. Collection method: clinical testing. Allele origin: germline. Affected: yes. Observed: 1 variant allele.

Ambry Genetics
Classification: Likely pathogenic for Cardiovascular phenotype; Hereditary cancer-predisposing syndrome. Last evaluated: 2021-06-04. Review status: criteria provided, single submitter. Criteria: Ambry Variant Classification Scheme 2023. Collection method: clinical testing. Allele origin: germline.
Comment: The p.H1605P variant (also known as c.4814A>C), located in coding exon 36 of the NF1 gene, results from an A to C substitution at nucleotide position 4814. The histidine at codon 1605 is replaced by proline, an amino acid with similar properties. This variant was detected in two individuals meeting clinical criteria for neurofibromatosis type 1 (Castellanos E et al. Clin Genet, 2020 02;97:264-275; Ambry internal data). Based on internal structural analysis, H1605P is moderately disruptive to the Sec14 domain of NF1 (D'Angelo I et al. EMBO Rep, 2006 Feb;7:174-9; Welti S et al. J Mol Biol, 2007 Feb;366:551-62; Welti S et al. Hum Mutat, 2011 Feb;32:191-7). This amino acid position is highly conserved in available vertebrate species. In addition, this alteration is predicted to be deleterious by in silico analysis. Based on the majority of available evidence to date, this variant is likely to be pathogenic.

NM_001042492.3(NF1):c.4877A>C (p.His1626Pro)

Gene: NF1 (neurofibromin 1; plus strand). Cytogenetic location: 17q11.2.
Variant type: single nucleotide variant.
Coding change: c.4877A>C on transcript NM_001042492.3 (MANE Select); coding-DNA position 4877, A replaced by C.
Protein change: p.His1626Pro; replaces histidine 1626 with proline.
Molecular consequence: missense variant.
Genome position (GRCh38, 1-based): chr17:31,325,861, A>C. VCF-style: chr17-31325861-A-C. GRCh37 (hg19) VCF-style: chr17-29652879-A-C.
Other names: c.4814A>C, p.His1605Pro (NM_000267.4); short protein forms H1605P, H1626P.
Identifiers: ClinVar variation 1743306 (VCV001743306.7), dbSNP rs2151537617, ClinGen allele CA399007015.